The following is an entry in ClinVar:

NM_024675.4(PALB2):c.910del (p.Leu304_Val305insTer)

Gene: PALB2 (partner and localizer of BRCA2; minus strand). Cytogenetic location: 16p12.2.
Variant type: Deletion.
Coding change: c.910del on transcript NM_024675.4 (MANE Select); coding-DNA position 910, one base deleted (C; older notation c.910delC).
Protein change: p.Leu304_Val305insTer.
Molecular consequence: frameshift variant. On other transcripts: intron variant (3).
Genome position (GRCh38, 1-based): chr16:23,635,636, G deleted on the plus strand (C on the coding strand, the reverse complement: PALB2 is on the minus strand); the first of 2 consecutive G bases (chr16:23,635,636-23,635,637); deleting either gives the same sequence. VCF-style (leftmost placement, unchanged base first): chr16-23635635-AG-A. GRCh37 (hg19) VCF-style: chr16-23646956-AG-A.
Other names: c.850del, p.Leu284_Val285insTer (NM_001407296.1); c.910del, p.Leu304_Val305insTer (NM_001407297.1, NM_001407298.1, NM_001407299.1 and 3 more transcripts); c.25del, p.Leu9_Val10insTer (NM_001407304.1, NM_001407305.1, NM_001407306.1 and 5 more transcripts); c.48+5474del (NM_001407314.1); c.-104-5167del (NM_001407313.1, NM_001407312.1).
Identifiers: ClinVar variation 2824680 (VCV002824680.3), dbSNP rs2506495873, ClinGen allele CA2739266670.

ClinVar aggregate classification (germline): Pathogenic (1 of 4 stars; one submission).

Conditions:
Familial cancer of breast. Also called: Hereditary breast cancer; BREAST CANCER, FAMILIAL; hereditary breast carcinoma. Identifiers: Orphanet 227535, MedGen C0346153, MONDO:0016419, OMIM 114480. Disease mechanism: loss of function.

Submission:

Labcorp Genetics (formerly Invitae), Labcorp
Classification: Pathogenic for Familial cancer of breast. Last evaluated: 2024-02-04. Review status: criteria provided, single submitter. Criteria: Invitae Variant Classification Sherloc (09022015). Collection method: clinical testing. Allele origin: germline.
Comment: This sequence change creates a premature translational stop signal (p.Val305*) in the PALB2 gene. It is expected to result in an absent or disrupted protein product. Loss-of-function variants in PALB2 are known to be pathogenic (PMID: 17200668, 17200671, 17200672, 24136930, 25099575). This variant is not present in population databases (gnomAD no frequency). This variant has not been reported in the literature in individuals affected with PALB2-related conditions. For these reasons, this variant has been classified as Pathogenic.

Literature cited by the submitters: PubMed 17200668; PubMed 17200671; PubMed 17200672; PubMed 24136930; PubMed 25099575.